The following is an entry in ClinVar:

NM_033028.5(BBS4):c.1072A>C (p.Lys358Gln)

Gene: BBS4 (Bardet-Biedl syndrome 4; plus strand). Cytogenetic location: 15q24.1.
Variant type: single nucleotide variant.
Coding change: c.1072A>C on transcript NM_033028.5 (MANE Select); coding-DNA position 1072, A replaced by C.
Protein change: p.Lys358Gln; replaces lysine 358 with glutamine.
Molecular consequence: missense variant. On other transcripts: non-coding transcript variant (2).
Genome position (GRCh38, 1-based): chr15:72,735,148, A>C. VCF-style: chr15-72735148-A-C. GRCh37 (hg19) VCF-style: chr15-73027489-A-C.
Other names: c.556A>C, p.Lys186Gln (NM_001252678.2); c.1003A>C, p.Lys335Gln (NM_001320665.2); short protein forms K186Q, K358Q, K335Q.
Identifiers: ClinVar variation 1424386 (VCV001424386.3), dbSNP rs560253658, ClinGen allele CA393079630.

ClinVar aggregate classification (germline): Uncertain significance (1 of 4 stars; one submission).

Conditions:
Bardet-Biedl syndrome (BBS). Identifiers: Orphanet 110, MedGen C0752166, MONDO:0015229.

Allele frequency attached by ClinVar (database versions not stated): gnomAD 0.00001.
gnomAD v4.1: 2 of 1,613,700 alleles (0.00012%); highest among the groups gnomAD compares: Non-Finnish European, 0.00017%; no homozygotes.

Submission:

Labcorp Genetics (formerly Invitae), Labcorp
Classification: Uncertain significance for Bardet-Biedl syndrome. Last evaluated: 2021-08-07. Review status: criteria provided, single submitter. Criteria: Invitae Variant Classification Sherloc (09022015). Collection method: clinical testing. Allele origin: germline.
Comment: This sequence change replaces lysine with glutamine at codon 358 of the BBS4 protein (p.Lys358Gln). The lysine residue is weakly conserved and there is a small physicochemical difference between lysine and glutamine. This variant is not present in population databases (ExAC no frequency). This variant has not been reported in the literature in individuals affected with BBS4-related conditions. Algorithms developed to predict the effect of missense changes on protein structure and function (SIFT, PolyPhen-2, Align-GVGD) all suggest that this variant is likely to be tolerated. In summary, the available evidence is currently insufficient to determine the role of this variant in disease. Therefore, it has been classified as a Variant of Uncertain Significance.